The following is an entry in ClinVar:

ClinVar aggregate classification (germline): Benign. Review status: criteria provided, multiple submitters, no conflicts (2 of 4 stars). 2 submissions from 2 submitters: Benign (2). Last evaluated 2018-06-14.

Allele frequency attached by ClinVar (database versions not stated): gnomAD exomes 0.00216; gnomAD 0.02187 and 0.02342; ESP Exome Variant Server 0.02300; TOPMed 0.02326; 1000 Genomes Project 0.02336; 1000 Genomes Project 30x 0.02467.
gnomAD v4.1: 4,956 of 899,354 alleles (0.55%); highest among the groups gnomAD compares: African/African-American, 7.3%; 189 homozygotes.

Submissions (2):

GeneDx
Classification: Benign. Last evaluated: 2018-06-14. Review status: criteria provided, single submitter. Criteria: GeneDx Variant Classification (06012015). Collection method: clinical testing. Allele origin: germline. Affected: yes.
Comment: This variant is considered likely benign or benign based on one or more of the following criteria: it is a conservative change, it occurs at a poorly conserved position in the protein, it is predicted to be benign by multiple in silico algorithms, and/or has population frequency not consistent with disease.

Breakthrough Genomics
Classification: Benign. Review status: criteria provided, single submitter. Criteria: ACMG Guidelines, 2015. Collection method: not provided. Allele origin: germline. Inheritance: Autosomal dominant inheritance. Affected: yes.

NM_000719.7(CACNA1C):c.3829-525A>G

Gene: CACNA1C (calcium voltage-gated channel subunit alpha1 C; plus strand). Cytogenetic location: 12p13.33.
Variant type: single nucleotide variant.
Coding change: c.3829-525A>G on transcript NM_000719.7 (MANE Select); 525 bases into the intron before coding-DNA position 3829, A replaced by G.
Molecular consequence: intron variant.
Genome position (GRCh38, 1-based): chr12:2,633,772, A>G. VCF-style: chr12-2633772-A-G. GRCh37 (hg19) VCF-style: chr12-2742938-A-G.
Other names: c.3912+60A>G (NM_001167624.3, NM_001167623.2, NM_001129831.2 and 4 more transcripts); c.3829-525A>G (NM_001167625.2, NM_001129840.2, NM_001129829.2 and 8 more transcripts); c.3972+60A>G (NM_199460.4, NM_001129827.2); c.3889-525A>G (NM_001129832.2); c.3903+60A>G (NM_001129844.2).
Identifiers: ClinVar variation 675232 (VCV000675232.2), dbSNP rs216022, ClinGen allele CA231630947.
Genomic context (GRCh38, chr12:2,633,772, plus strand): 5'-TGTGAGTATTACTCTGCCCTCCCCAGGAAACCTCCTCATTCCTCCTCCTCTGCCTCGTCT[A>G]TTTCTCTCTCTCTCACTCTCTCTGTTTACCTTCTTTTATGTTTTTTTTAATTTCCTGTTT-3'